The following is an entry in ClinVar:

ClinVar aggregate classification (germline): Conflicting classifications of pathogenicity. Review status: criteria provided, conflicting classifications (1 of 4 stars). 6 submissions from 6 submitters: Uncertain significance (2); Benign (1); Likely benign (2). 1 of the submissions does not count toward it. Last evaluated 2026-02-01.

Conditions:
GATA5-related disorder. Also called: GATA5-related condition.
Congenital heart defects, multiple types, 5. Identifiers: MedGen C4693563, MONDO:0060663, OMIM 617912.

Allele frequency attached by ClinVar (database versions not stated): gnomAD exomes 0.00017; gnomAD 0.00219 and 0.00227; TOPMed 0.00243; 1000 Genomes Project 0.00379; 1000 Genomes Project 30x 0.00437.

Submissions (6):

Labcorp Genetics (formerly Invitae), Labcorp
Classification: Benign. Last evaluated: 2026-02-01. Review status: criteria provided, single submitter. Criteria: Invitae Variant Classification Sherloc (09022015). Collection method: clinical testing. Allele origin: germline.

Ambry Genetics
Classification: Uncertain significance. Last evaluated: 2025-12-09. Review status: criteria provided, single submitter. Criteria: Ambry Variant Classification Scheme 2023. Collection method: clinical testing. Allele origin: germline.

Blueprint Genetics
Classification: Likely benign. Last evaluated: 2024-11-06. Review status: criteria provided, single submitter. Criteria: ACMG Guidelines, 2015. Collection method: clinical testing. Allele origin: germline.

GeneDx
Classification: Likely benign. Last evaluated: 2023-11-30. Review status: criteria provided, single submitter. Criteria: GeneDx Variant Classification Process June 2021. Collection method: clinical testing. Allele origin: germline. Affected: yes.
Comment: See Variant Classification Assertion Criteria.

Revvity Omics, Revvity
Classification: Uncertain significance for Congenital heart defects, multiple types, 5. Last evaluated: 2022-11-27. Review status: criteria provided, single submitter. Criteria: ACMG Guidelines, 2015. Collection method: clinical testing. Allele origin: germline.

PreventionGenetics, part of Exact Sciences
Classification: Benign for GATA5-related condition. Last evaluated: 2024-01-30. Review status: no assertion criteria provided. Collection method: clinical testing. Allele origin: germline. Not counted in ClinVar's aggregate classification.
Comment: This variant is classified as benign based on ACMG/AMP sequence variant interpretation guidelines (Richards et al. 2015 PMID: 25741868, with internal and published modifications).

NM_080473.5(GATA5):c.232G>A (p.Gly78Ser)

Gene: GATA5 (GATA binding protein 5; minus strand). Cytogenetic location: 20q13.33.
Variant type: single nucleotide variant.
Coding change: c.232G>A on transcript NM_080473.5 (MANE Select); coding-DNA position 232, G replaced by A.
Protein change: p.Gly78Ser; replaces glycine 78 with serine.
Molecular consequence: missense variant.
Genome position (GRCh38, 1-based): chr20:62,475,290, C>T on the plus strand (G>A on the coding strand, the complement: GATA5 is on the minus strand). VCF-style: chr20-62475290-C-T. GRCh37 (hg19) VCF-style: chr20-61050346-C-T.
Other names: short protein forms G78S.
Identifiers: ClinVar variation 1201923 (VCV001201923.22), dbSNP rs572247741, ClinGen allele CA9946326.